The following is an entry in ClinVar:

ClinVar aggregate classification (germline): Uncertain significance. Review status: criteria provided, multiple submitters, no conflicts (2 of 4 stars). 2 submissions from 2 submitters: Uncertain significance (2). Last evaluated 2024-02-28.

Conditions:
Hajdu-Cheney syndrome (HJCYS). Also called: ACROOSTEOLYSIS WITH OSTEOPOROSIS AND CHANGES IN SKULL AND MANDIBLE; Acroosteolysis dominant type; SERPENTINE FIBULA-POLYCYSTIC KIDNEY SYNDROME. Identifiers: Orphanet 955, MedGen C0917715, MONDO:0007057, OMIM 102500.
Alagille syndrome due to a NOTCH2 point mutation. Also called: Alagille syndrome 2. Identifiers: Orphanet 261629, Orphanet 52, MedGen C1857761, MONDO:0012439, OMIM 610205.

Allele frequency attached by ClinVar (database versions not stated): ExAC 0.00001; gnomAD 0.00001; TOPMed 0.00001; 1000 Genomes Project 0.00020; 1000 Genomes Project 30x 0.00031.

Submissions (2):

Fulgent Genetics
Classification: Uncertain significance for Hajdu-Cheney syndrome; Alagille syndrome due to a NOTCH2 point mutation. Last evaluated: 2024-02-28. Review status: criteria provided, single submitter. Criteria: ACMG Guidelines, 2015. Collection method: clinical testing. Allele origin: germline.

Labcorp Genetics (formerly Invitae), Labcorp
Classification: Uncertain significance for Hajdu-Cheney syndrome. Last evaluated: 2023-10-22. Review status: criteria provided, single submitter. Criteria: Invitae Variant Classification Sherloc (09022015). Collection method: clinical testing. Allele origin: germline.
Comment: This sequence change replaces proline, which is neutral and non-polar, with arginine, which is basic and polar, at codon 521 of the NOTCH2 protein (p.Pro521Arg). This variant is present in population databases (rs201925674, gnomAD 0.0009%). This variant has not been reported in the literature in individuals affected with NOTCH2-related conditions. An algorithm developed to predict the effect of missense changes on protein structure and function (PolyPhen-2) suggests that this variant is likely to be disruptive. In summary, the available evidence is currently insufficient to determine the role of this variant in disease. Therefore, it has been classified as a Variant of Uncertain Significance.

NM_024408.4(NOTCH2):c.1562C>G (p.Pro521Arg)

Gene: NOTCH2 (notch receptor 2; minus strand). Cytogenetic location: 1p12.
Variant type: single nucleotide variant.
Coding change: c.1562C>G on transcript NM_024408.4 (MANE Select); coding-DNA position 1562, C replaced by G.
Protein change: p.Pro521Arg; replaces proline 521 with arginine.
Molecular consequence: missense variant.
Genome position (GRCh38, 1-based): chr1:119,966,381, G>C on the plus strand (C>G on the coding strand, the complement: NOTCH2 is on the minus strand). VCF-style: chr1-119966381-G-C. GRCh37 (hg19) VCF-style: chr1-120509004-G-C.
Other names: c.1562C>G, p.Pro521Arg (NM_001200001.2); short protein forms P521R.
Identifiers: ClinVar variation 2967058 (VCV002967058.4), dbSNP rs201925674, ClinGen allele CA1040524.